The following is an entry in ClinVar:

NM_144999.4(LRRC45):c.785T>C (p.Leu262Ser)

Gene: LRRC45 (leucine rich repeat containing 45; plus strand). Cytogenetic location: 17q25.3.
Variant type: single nucleotide variant.
Coding change: c.785T>C on transcript NM_144999.4 (MANE Select); coding-DNA position 785, T replaced by C.
Protein change: p.Leu262Ser; replaces leucine 262 with serine.
Molecular consequence: missense variant.
Genome position (GRCh38, 1-based): chr17:82,027,396, T>C. VCF-style: chr17-82027396-T-C. GRCh37 (hg19) VCF-style: chr17-79985272-T-C.
Other names: c.785T>C (NM_144999.3); short protein forms L262S.
Identifiers: ClinVar variation 4100461 (VCV004100461.2).
Genomic context (GRCh38, chr17:82,027,396, plus strand): 5'-TGGACAGGCTGCAGGTGCCCTGACAGGGCTGCGGCTGTCTCTGTCCCCAGTTCCTCGACT[T>C]GATGGAGACTATTGATAAGCAGCGAGAAGAGATGGCCAAGAGCAGCAGGTGAGCGGGCCC-3'
Protein context (NP_659436.1, residues 252-272): REEKSKQFLD[Leu262Ser]METIDKQREE

ClinVar aggregate classification (germline): Uncertain significance. Review status: criteria provided, multiple submitters, no conflicts (2 of 4 stars). 2 submissions from 2 submitters: Uncertain significance (2). Last evaluated 2026-07-21.

Conditions:
LRRC45-related disorder. Also called: LRRC45-related condition.

gnomAD v4.1: 26 of 1,612,472 alleles (0.0016%); highest among the groups gnomAD compares: Admixed American, 0.035%; no homozygotes.

Submissions (2):

PreventionGenetics, part of Exact Sciences
Classification: Uncertain significance for LRRC45-related condition. Last evaluated: 2026-07-21. Review status: criteria provided, single submitter. Criteria: ACMG Guidelines, 2015. Collection method: clinical testing. Allele origin: germline.
Comment: The LRRC45 c.785T>C variant is predicted to result in the amino acid substitution p.Leu262Ser. To our knowledge, this variant has not been reported in the literature. This variant is reported in 0.051% of alleles in individuals of Latino descent in gnomAD, which may be too frequent to be a primary cause of disease. Although we suspect that this variant may be benign, at this time, the clinical significance of this variant is uncertain due to the absence of conclusive functional and genetic evidence.

Ambry Genetics
Classification: Uncertain significance. Last evaluated: 2025-07-08. Review status: criteria provided, single submitter. Criteria: Ambry Variant Classification Scheme 2023. Collection method: clinical testing. Allele origin: germline.